The following is an entry in ClinVar:

ClinVar aggregate classification (germline): Uncertain significance (1 of 4 stars; one submission).

Conditions:
Ayme-Gripp syndrome. Also called: Aymé-Gripp Syndrome. Identifiers: MedGen C1832812, MONDO:0010992, OMIM 601088.

Submission:

Institute of Human Genetics, University of Goettingen
Classification: Uncertain significance for Ayme-Gripp syndrome. Review status: criteria provided, single submitter. Criteria: ACMG Guidelines, 2015. Collection method: clinical testing. Allele origin: paternal. Inheritance: Autosomal dominant inheritance. Observed: 1 heterozygote.
Comment: The variant c.803C>A (p.(Thr268Asn)) in exon 1 of the MAF-gene is not found in the gnomAD v4.1.0 database, it affects a highly conserved nucleotide, and a highly conserved amino acid and there is a small physicochemical difference between Thr and Asn. This variant is located within a protein domain and has an uncertain outcome predicted by the silico algorithm REVEL. ACMG criteria used for classification: PM2_SUP.

NM_005360.5(MAF):c.803C>A (p.Thr268Asn)

Gene: MAF (MAF bZIP transcription factor; minus strand). Cytogenetic location: 16q23.2.
Variant type: single nucleotide variant.
Coding change: c.803C>A on transcript NM_005360.5 (MANE Select); coding-DNA position 803, C replaced by A.
Protein change: p.Thr268Asn; replaces threonine 268 with asparagine.
Molecular consequence: missense variant.
Genome position (GRCh38, 1-based): chr16:79,599,100, G>T on the plus strand (C>A on the coding strand, the complement: MAF is on the minus strand). VCF-style: chr16-79599100-G-T. GRCh37 (hg19) VCF-style: chr16-79632997-G-T.
Other names: c.803C>A, p.Thr268Asn (NM_001031804.3); short protein forms T268N.
Identifiers: ClinVar variation 4073555 (VCV004073555.1).
Genomic context (GRCh38, chr16:79,599,100, plus strand): 5'-CGGATCACCTCCTCCTTGCTGACCCCGCGCAGCTGCCGGTTCAGCTCGCGCACAGACATG[G>T]TCACCAGCTGCTCGTCGGAGAAGCGGTCGTCGAAGTGCAGGCCGCCGGCGGCGTGGTGCG-3'
Protein context (NP_005351.2, residues 258-278): DDRFSDEQLV[Thr268Asn]MSVRELNRQL